The following is an entry in ClinVar:

ClinVar aggregate classification (germline): Uncertain significance (1 of 4 stars; one submission).

Conditions:
SCAPER-related disorder. Also called: SCAPER-related condition.

Submission:

PreventionGenetics, part of Exact Sciences
Classification: Uncertain significance for SCAPER-related condition. Last evaluated: 2026-06-18. Review status: criteria provided, single submitter. Criteria: ACMG Guidelines, 2015. Collection method: clinical testing. Allele origin: germline.
Comment: The SCAPER c.3193G>A variant is predicted to result in the amino acid substitution p.Val1065Met. To our knowledge, this variant has not been reported in the literature. This variant is reported in 0.020% of alleles in individuals of Latino descent in gnomAD. At this time, the clinical significance of this variant is uncertain due to the absence of conclusive functional and genetic evidence.

NM_020843.4(SCAPER):c.3175G>A (p.Val1059Met)

Genes: SCAPER (S-phase cyclin A associated protein in the ER; minus strand), LOC126862183 (BRD4-independent group 4 enhancer GRCh37_chr15:76726060-76727259; plus strand). Cytogenetic location: 15q24.3.
Variant type: single nucleotide variant.
Coding change: c.3175G>A on transcript NM_020843.4 (MANE Select); coding-DNA position 3175, G replaced by A.
Protein change: p.Val1059Met; replaces valine 1059 with methionine.
Molecular consequence: missense variant. On other transcripts: non-coding transcript variant (1).
Genome position (GRCh38, 1-based): chr15:76,434,214, C>T on the plus strand (G>A on the coding strand, the complement: SCAPER is on the minus strand). VCF-style: chr15-76434214-C-T. GRCh37 (hg19) VCF-style: chr15-76726555-C-T.
Other names: c.2437G>A, p.Val813Met (NM_001145923.2); c.3193G>A, p.Val1065Met (NM_001353009.2); c.2773G>A, p.Val925Met (NM_001353010.2, NM_001353012.2); c.2791G>A, p.Val931Met (NM_001353011.2); short protein forms V1065M, V813M, V931M, V1059M, V925M.
Identifiers: ClinVar variation 4979133 (VCV004979133.1).